The following is an entry in ClinVar:

ClinVar aggregate classification (germline): Uncertain significance (1 of 4 stars; one submission).

Submission:

CeGaT Center for Human Genetics Tuebingen
Classification: Uncertain significance. Last evaluated: 2026-04-01. Review status: criteria provided, single submitter. Criteria: CeGaT Center For Human Genetics Tuebingen Variant Classification Criteria Version 2. Collection method: clinical testing. Allele origin: germline. Affected: yes. Observed: 1 variant allele.
Comment: TTN: PM2, BP4

NM_001267550.2(TTN):c.64426A>G (p.Ile21476Val)

Genes: TTN (titin; minus strand), TTN-AS1 (TTN antisense RNA 1; plus strand). Cytogenetic location: 2q31.2.
Variant type: single nucleotide variant.
Coding change: c.64426A>G on transcript NM_001267550.2 (MANE Select); coding-DNA position 64426, A replaced by G.
Protein change: p.Ile21476Val; replaces isoleucine 21476 with valine.
Molecular consequence: missense variant.
Genome position (GRCh38, 1-based): chr2:178,585,318, T>C on the plus strand (A>G on the coding strand, the complement: TTN is on the minus strand). VCF-style: chr2-178585318-T-C. GRCh37 (hg19) VCF-style: chr2-179450045-T-C.
Other names: c.37231A>G, p.Ile12411Val (NM_003319.4); c.56722A>G, p.Ile18908Val (NM_133378.4); c.37606A>G, p.Ile12536Val (NM_133432.3); c.37807A>G, p.Ile12603Val (NM_133437.4); c.59503A>G, p.Ile19835Val (NM_001256850.1); short protein forms I12411V, I12536V, I12603V, I18908V, I19835V, I21476V.
Identifiers: ClinVar variation 4874743 (VCV004874743.2).
Genomic context (GRCh38, chr2:178,585,318, plus strand): 5'-GATGAGGCTTTCCATACACATGGGCTTCAATTCGGAGTTTTTTCCCAGCTTTGATAGTTA[T>C]TTGCTCTGGCATAAGGATCTTTGGTGGCACTGAAAGTAAAATGAAAAGATATTAATTTTG-3'
Protein context (NP_001254479.2, residues 21466-21486): LPPKILMPEQ[Ile21476Val]TIKAGKKLRI